The following is an entry in ClinVar:

NM_024757.5(EHMT1):c.823+70A>T

Gene: EHMT1 (euchromatic histone lysine methyltransferase 1; plus strand). Cytogenetic location: 9q34.3.
Variant type: single nucleotide variant.
Coding change: c.823+70A>T on transcript NM_024757.5 (MANE Select); 70 bases into the intron after coding-DNA position 823, A replaced by T.
Molecular consequence: intron variant.
Genome position (GRCh38, 1-based): chr9:137,728,599, A>T. VCF-style: chr9-137728599-A-T. GRCh37 (hg19) VCF-style: chr9-140623051-A-T.
Other names: c.823+70A>T (NM_001354263.2, NM_001145527.2, NM_001354611.2); c.730+70A>T (NM_001354259.2, NM_001354612.2).
Identifiers: ClinVar variation 4854547 (VCV004854547.1).

ClinVar aggregate classification (germline): Uncertain significance (1 of 4 stars; one submission).

Conditions:
Kleefstra syndrome 1 (KLEFS1). Identifiers: Orphanet 261494, MedGen C0795833, MONDO:0027407, OMIM 610253.

Submission:

3billion
Classification: Uncertain significance for Kleefstra syndrome 1. Last evaluated: 2025-07-25. Review status: criteria provided, single submitter. Criteria: ACMG Guidelines, 2015. Collection method: clinical testing. Allele origin: germline. Affected: yes.
Comment: The variant is not observed in the gnomAD v4.1.0 dataset. Predicted Consequence/Location: Intron variant In silico tools predict the variant to alter splicing and produce an abnormal transcript [SpliceAI: 0.25 (>=0.2, moderate evidence for spliceogenicity)]. Therefore, this variant is classified as VUS according to the recommendation of ACMG/AMP guideline.